The following is an entry in ClinVar:

ClinVar aggregate classification (germline): Uncertain significance (3 of 4 stars; one submission).

Conditions:
Phenylketonuria (PKU). Also called: OLIGOPHRENIA PHENYLPYRUVICA; Phenylketonurias; FOLLING DISEASE; Phenylketonuria (PKU). Identifiers: Orphanet 716, MedGen C0031485, MONDO:0009861, OMIM 261600. Disease mechanism: loss of function.

Submission:

ClinGen PAH Variant Curation Expert Panel
Classification: Uncertain significance for Phenylketonuria. Last evaluated: 2018-12-10. Review status: reviewed by expert panel. Criteria: ClinGen PAH ACMG Specifications v1. Collection method: curation. Allele origin: germline. Inheritance: Autosomal recessive inheritance.
Comment: BH4 deficiency was excluded. (PMID: 23932990) This variant is absent from ExAC, gnomAD, 1000G, and ESP. Computational evidence is conflicting. In summary, this variant meets criteria to be classified as uncertain significance for PAH. PAH-specific ACMG/AMP criteria applied: PM2, PP4.

Literature cited by the submitters: PubMed 23932990.

NM_000277.3(PAH):c.184C>G (p.Leu62Val)

Gene: PAH (phenylalanine hydroxylase; minus strand). Cytogenetic location: 12q23.2.
Variant type: single nucleotide variant.
Coding change: c.184C>G on transcript NM_000277.3 (MANE Select); coding-DNA position 184, C replaced by G.
Protein change: p.Leu62Val; replaces leucine 62 with valine.
Molecular consequence: missense variant.
Genome position (GRCh38, 1-based): chr12:102,894,903, G>C on the plus strand (C>G on the coding strand, the complement: PAH is on the minus strand). VCF-style: chr12-102894903-G-C. GRCh37 (hg19) VCF-style: chr12-103288681-G-C.
Other names: c.184C>G, p.Leu62Val (NM_001354304.2); short protein forms L62V.
Identifiers: ClinVar variation 619149 (VCV000619149.2), dbSNP rs1565866640, ClinGen allele CA16020738.